The following is an entry in ClinVar:

NM_014795.4(ZEB2):c.1526C>T (p.Pro509Leu)

Gene: ZEB2 (zinc finger E-box binding homeobox 2; minus strand). Cytogenetic location: 2q22.3.
Variant type: single nucleotide variant.
Coding change: c.1526C>T on transcript NM_014795.4 (MANE Select); coding-DNA position 1526, C replaced by T.
Protein change: p.Pro509Leu; replaces proline 509 with leucine.
Molecular consequence: missense variant.
Genome position (GRCh38, 1-based): chr2:144,399,661, G>A on the plus strand (C>T on the coding strand, the complement: ZEB2 is on the minus strand). VCF-style: chr2-144399661-G-A. GRCh37 (hg19) VCF-style: chr2-145157228-G-A.
Other names: c.1454C>T, p.Pro485Leu (NM_001171653.2); short protein forms P509L, P485L.
Identifiers: ClinVar variation 380262 (VCV000380262.14), dbSNP rs1051563603, ClinGen allele CA16603747.

ClinVar aggregate classification (germline): Likely benign. Review status: criteria provided, multiple submitters, no conflicts (2 of 4 stars). 2 submissions from 2 submitters: Likely benign (2). Last evaluated 2023-08-07.

Conditions:
Mowat-Wilson syndrome (MOWS). Also called: Classic Mowat-Wilson Syndrome. Identifiers: Orphanet 2152, MedGen C1856113, MONDO:0009341, OMIM 235730.

Allele frequency attached by ClinVar (database versions not stated): gnomAD exomes 0.00001; TOPMed 0.00003; gnomAD 0.00004 and 0.00005.
gnomAD v4.1: 38 of 1,614,124 alleles (0.0024%); highest among the groups gnomAD compares: African/African-American, 0.0067%; no homozygotes.

Submissions (2):

Labcorp Genetics (formerly Invitae), Labcorp
Classification: Likely benign for Mowat-Wilson syndrome. Last evaluated: 2023-08-07. Review status: criteria provided, single submitter. Criteria: Invitae Variant Classification Sherloc (09022015). Collection method: clinical testing. Allele origin: germline.

GeneDx
Classification: Likely benign. Last evaluated: 2020-07-15. Review status: criteria provided, single submitter. Criteria: GeneDx Variant Classification Process June 2021. Collection method: clinical testing. Allele origin: germline. Affected: yes.
Comment: This variant is associated with the following publications: (PMID: 28191890, 25363768)